The following is an entry in ClinVar:

NM_006946.4(SPTBN2):c.3616G>A (p.Ala1206Thr)

Gene: SPTBN2 (spectrin beta, non-erythrocytic 2; minus strand). Cytogenetic location: 11q13.2.
Variant type: single nucleotide variant.
Coding change: c.3616G>A on transcript NM_006946.4 (MANE Select); coding-DNA position 3616, G replaced by A.
Protein change: p.Ala1206Thr; replaces alanine 1206 with threonine.
Molecular consequence: missense variant.
Genome position (GRCh38, 1-based): chr11:66,699,566, C>T on the plus strand (G>A on the coding strand, the complement: SPTBN2 is on the minus strand). VCF-style: chr11-66699566-C-T. GRCh37 (hg19) VCF-style: chr11-66467037-C-T.
Other names: c.3637G>A, p.Ala1213Thr (NM_001411025.1); short protein forms A1206T, A1213T.
Identifiers: ClinVar variation 2841000 (VCV002841000.3), dbSNP rs747697192, ClinGen allele CA6128814.

ClinVar aggregate classification (germline): Uncertain significance (1 of 4 stars; one submission).

Allele frequency attached by ClinVar (database versions not stated): gnomAD exomes below 0.00001; ExAC 0.00001.
gnomAD v4.1: 5 of 1,614,148 alleles (0.00031%); highest among the groups gnomAD compares: Admixed American, 0.0067%; no homozygotes.

Submission:

Labcorp Genetics (formerly Invitae), Labcorp
Classification: Uncertain significance. Last evaluated: 2023-10-03. Review status: criteria provided, single submitter. Criteria: Invitae Variant Classification Sherloc (09022015). Collection method: clinical testing. Allele origin: germline.
Comment: This sequence change replaces alanine, which is neutral and non-polar, with threonine, which is neutral and polar, at codon 1206 of the SPTBN2 protein (p.Ala1206Thr). This variant is present in population databases (rs747697192, gnomAD 0.01%). This variant has not been reported in the literature in individuals affected with SPTBN2-related conditions. Advanced modeling of protein sequence and biophysical properties (such as structural, functional, and spatial information, amino acid conservation, physicochemical variation, residue mobility, and thermodynamic stability) performed at Invitae indicates that this missense variant is not expected to disrupt SPTBN2 protein function. In summary, the available evidence is currently insufficient to determine the role of this variant in disease. Therefore, it has been classified as a Variant of Uncertain Significance.